The following is an entry in ClinVar:

NM_000632.4(ITGAM):c.2868+10T>C

Gene: ITGAM (integrin subunit alpha M; plus strand). Cytogenetic location: 16p11.2.
Variant type: single nucleotide variant.
Coding change: c.2868+10T>C on transcript NM_000632.4 (MANE Select); 10 bases into the intron after coding-DNA position 2868, T replaced by C.
Molecular consequence: intron variant.
Genome position (GRCh38, 1-based): chr16:31,329,313, T>C. VCF-style: chr16-31329313-T-C. GRCh37 (hg19) VCF-style: chr16-31340634-T-C.
Other names: c.2871+10T>C (NM_001145808.2); c.2868+10T>C (NM_000632.3).
Identifiers: ClinVar variation 1529873 (VCV001529873.10), dbSNP rs372047136, ClinGen allele CA8025997.

ClinVar aggregate classification (germline): Likely benign. Review status: criteria provided, single submitter (1 of 4 stars). 2 submissions from 2 submitters: Likely benign (1). 1 of the submissions does not count toward it. Last evaluated 2025-12-03.

Conditions:
ITGAM-related disorder. Also called: ITGAM-related condition.

Allele frequency attached by ClinVar (database versions not stated): ESP Exome Variant Server 0.00008; 1000 Genomes Project 30x 0.00016; 1000 Genomes Project 0.00020.
gnomAD v4.1: 47 of 1,583,614 alleles (0.003%); highest among the groups gnomAD compares: African/African-American, 0.061%; no homozygotes.

Submissions (2):

Labcorp Genetics (formerly Invitae), Labcorp
Classification: Likely benign. Last evaluated: 2025-12-03. Review status: criteria provided, single submitter. Criteria: Invitae Variant Classification Sherloc (09022015). Collection method: clinical testing. Allele origin: germline.

PreventionGenetics, part of Exact Sciences
Classification: Likely benign for ITGAM-related condition. Last evaluated: 2019-07-10. Review status: no assertion criteria provided. Collection method: clinical testing. Allele origin: germline. Not counted in ClinVar's aggregate classification.
Comment: This variant is classified as likely benign based on ACMG/AMP sequence variant interpretation guidelines (Richards et al. 2015 PMID: 25741868, with internal and published modifications).